The following is an entry in ClinVar:

NM_002292.4(LAMB2):c.4039G>A (p.Ala1347Thr)

Gene: LAMB2 (laminin subunit beta 2; minus strand). Cytogenetic location: 3p21.31.
Variant type: single nucleotide variant.
Coding change: c.4039G>A on transcript NM_002292.4 (MANE Select); coding-DNA position 4039, G replaced by A.
Protein change: p.Ala1347Thr; replaces alanine 1347 with threonine.
Molecular consequence: missense variant.
Genome position (GRCh38, 1-based): chr3:49,123,317, C>T on the plus strand (G>A on the coding strand, the complement: LAMB2 is on the minus strand). VCF-style: chr3-49123317-C-T. GRCh37 (hg19) VCF-style: chr3-49160750-C-T.
Other names: short protein forms A1347T.
Identifiers: ClinVar variation 1505990 (VCV001505990.3), dbSNP rs2107637483, ClinGen allele CA352697173.

ClinVar aggregate classification (germline): Uncertain significance (1 of 4 stars; one submission).

Conditions:
Pierson syndrome. Also called: MICROCORIA-CONGENITAL NEPHROTIC SYNDROME. Identifiers: Orphanet 2670, MedGen C1836876, MONDO:0012184, OMIM 609049.
LAMB2-related infantile-onset nephrotic syndrome. Also called: NEPHROTIC SYNDROME, TYPE 5, WITHOUT OCULAR ABNORMALITIES; NEPHROTIC SYNDROME, TYPE 5, WITH OCULAR ABNORMALITIES; Nephrotic Syndrome, type 5. Identifiers: Orphanet 306507, MedGen C3280113, MONDO:0013621, OMIM 614199.

Allele frequency attached by ClinVar (database versions not stated): gnomAD exomes below 0.00001.
gnomAD v4.1: 1 of 1,614,080 alleles (0.000062%); highest among the groups gnomAD compares: Admixed American, 0.0017%; no homozygotes.

Submission:

Labcorp Genetics (formerly Invitae), Labcorp
Classification: Uncertain significance for LAMB2-related infantile-onset nephrotic syndrome; Pierson syndrome. Last evaluated: 2021-07-28. Review status: criteria provided, single submitter. Criteria: Invitae Variant Classification Sherloc (09022015). Collection method: clinical testing. Allele origin: germline.
Comment: This sequence change replaces alanine with threonine at codon 1347 of the LAMB2 protein (p.Ala1347Thr). The alanine residue is highly conserved and there is a small physicochemical difference between alanine and threonine. This variant is not present in population databases (ExAC no frequency). This variant has not been reported in the literature in individuals affected with LAMB2-related conditions. Algorithms developed to predict the effect of missense changes on protein structure and function (SIFT, PolyPhen-2, Align-GVGD) all suggest that this variant is likely to be disruptive. In summary, the available evidence is currently insufficient to determine the role of this variant in disease. Therefore, it has been classified as a Variant of Uncertain Significance.